The following is an entry in ClinVar:

NM_001134407.3(GRIN2A):c.608T>C (p.Val203Ala)

Gene: GRIN2A (glutamate ionotropic receptor NMDA type subunit 2A; minus strand). Cytogenetic location: 16p13.2.
Variant type: single nucleotide variant.
Coding change: c.608T>C on transcript NM_001134407.3 (MANE Select); coding-DNA position 608, T replaced by C.
Protein change: p.Val203Ala; replaces valine 203 with alanine.
Molecular consequence: missense variant.
Genome position (GRCh38, 1-based): chr16:9,938,358, A>G on the plus strand (T>C on the coding strand, the complement: GRIN2A is on the minus strand). VCF-style: chr16-9938358-A-G. GRCh37 (hg19) VCF-style: chr16-10032215-A-G.
Other names: c.608T>C, p.Val203Ala (NM_000833.5, NM_001134408.2); short protein forms V203A.
Identifiers: ClinVar variation 3781099 (VCV003781099.1).

ClinVar aggregate classification (germline): Uncertain significance (1 of 4 stars; one submission).

Submission:

GeneDx
Classification: Uncertain significance. Last evaluated: 2024-10-14. Review status: criteria provided, single submitter. Criteria: GeneDx Variant Classification Process June 2021. Collection method: clinical testing. Allele origin: germline. Affected: yes.
Comment: Not observed at significant frequency in large population cohorts (gnomAD); In silico analysis supports that this missense variant has a deleterious effect on protein structure/function; Has not been previously published as pathogenic or benign to our knowledge